The following is an entry in ClinVar:

NM_152305.3(POGLUT1):c.395G>A (p.Arg132Gln)

Gene: POGLUT1 (protein O-glucosyltransferase 1; plus strand). Cytogenetic location: 3q13.33.
Variant type: single nucleotide variant.
Coding change: c.395G>A on transcript NM_152305.3 (MANE Select); coding-DNA position 395, G replaced by A.
Protein change: p.Arg132Gln; replaces arginine 132 with glutamine.
Molecular consequence: missense variant. On other transcripts: non-coding transcript variant (1).
Genome position (GRCh38, 1-based): chr3:119,477,387, G>A. VCF-style: chr3-119477387-G-A. GRCh37 (hg19) VCF-style: chr3-119196234-G-A.
Other names: c.395G>A, p.Arg132Gln (NM_020231.3); short protein forms R132Q.
Identifiers: ClinVar variation 2153240 (VCV002153240.5), dbSNP rs766709782, ClinGen allele CA2554835.

ClinVar aggregate classification (germline): Uncertain significance. Review status: criteria provided, multiple submitters, no conflicts (2 of 4 stars). 2 submissions from 2 submitters: Uncertain significance (2). Last evaluated 2023-11-30.

Allele frequency attached by ClinVar (database versions not stated): TOPMed below 0.00001; gnomAD 0.00001; ExAC 0.00002.
gnomAD v4.1: 29 of 1,614,010 alleles (0.0018%); highest among the groups gnomAD compares: East Asian, 0.011%; no homozygotes.

Submissions (2):

Revvity Omics, Revvity
Classification: Uncertain significance. Last evaluated: 2023-11-30. Review status: criteria provided, single submitter. Criteria: ACMG Guidelines, 2015. Collection method: clinical testing. Allele origin: germline.

Labcorp Genetics (formerly Invitae), Labcorp
Classification: Uncertain significance. Last evaluated: 2022-12-11. Review status: criteria provided, single submitter. Criteria: Invitae Variant Classification Sherloc (09022015). Collection method: clinical testing. Allele origin: germline.
Comment: This sequence change replaces arginine, which is basic and polar, with glutamine, which is neutral and polar, at codon 132 of the POGLUT1 protein (p.Arg132Gln). This variant is present in population databases (rs766709782, gnomAD 0.01%). This variant has not been reported in the literature in individuals affected with POGLUT1-related conditions. Advanced modeling of protein sequence and biophysical properties (such as structural, functional, and spatial information, amino acid conservation, physicochemical variation, residue mobility, and thermodynamic stability) performed at Invitae indicates that this missense variant is not expected to disrupt POGLUT1 protein function. In summary, the available evidence is currently insufficient to determine the role of this variant in disease. Therefore, it has been classified as a Variant of Uncertain Significance.